The following is an entry in ClinVar:

NM_005035.4(POLRMT):c.3596T>C (p.Leu1199Ser)

Gene: POLRMT (RNA polymerase mitochondrial; minus strand). Cytogenetic location: 19p13.3.
Variant type: single nucleotide variant.
Coding change: c.3596T>C on transcript NM_005035.4 (MANE Select); coding-DNA position 3596, T replaced by C.
Protein change: p.Leu1199Ser; replaces leucine 1199 with serine.
Molecular consequence: missense variant.
Genome position (GRCh38, 1-based): chr19:617,466, A>G on the plus strand (T>C on the coding strand, the complement: POLRMT is on the minus strand). VCF-style: chr19-617466-A-G. GRCh37 (hg19) VCF-style: chr19-617466-A-G.
Other names: short protein forms L1199S.
Identifiers: ClinVar variation 718243 (VCV000718243.30), dbSNP rs151287767, ClinGen allele CA9019043.

ClinVar aggregate classification (germline): Likely benign. Review status: criteria provided, multiple submitters, no conflicts (2 of 4 stars). 3 submissions from 3 submitters: Likely benign (3). Last evaluated 2026-08-01.

Allele frequency attached by ClinVar (database versions not stated): 1000 Genomes Project 30x 0.00297; 1000 Genomes Project 0.00319; ESP Exome Variant Server 0.00468; gnomAD 0.00576 and 0.00581; ExAC 0.00614; gnomAD exomes 0.00616 and 0.00766; TOPMed 0.00626.
gnomAD v4.1: 12,072 of 1,611,538 alleles (0.75%); highest among the groups gnomAD compares: Middle Eastern, 1.3%; 58 homozygotes.

Submissions (3):

CeGaT Center for Human Genetics Tuebingen
Classification: Likely benign. Last evaluated: 2026-08-01. Review status: criteria provided, single submitter. Criteria: CeGaT Center For Human Genetics Tuebingen Variant Classification Criteria Version 2. Collection method: clinical testing. Allele origin: germline. Affected: yes. Observed: 14 variant alleles.
Comment: POLRMT: BP4, BS2

Labcorp Genetics (formerly Invitae), Labcorp
Classification: Likely benign. Last evaluated: 2018-04-09. Review status: criteria provided, single submitter. Criteria: Invitae Variant Classification Sherloc (09022015). Collection method: clinical testing. Allele origin: germline.

Breakthrough Genomics
Classification: Likely benign. Review status: criteria provided, single submitter. Criteria: ACMG Guidelines, 2015. Collection method: not provided. Allele origin: germline. Inheritance: Autosomal recessive inheritance. Affected: yes.